The following is an entry in ClinVar:

NM_020680.4(SCYL1):c.1933G>A (p.Asp645Asn)

Gene: SCYL1 (SCY1 like pseudokinase 1; plus strand). Cytogenetic location: 11q13.1.
Variant type: single nucleotide variant.
Coding change: c.1933G>A on transcript NM_020680.4 (MANE Select); coding-DNA position 1933, G replaced by A.
Protein change: p.Asp645Asn; replaces aspartic acid 645 with asparagine.
Molecular consequence: missense variant.
Genome position (GRCh38, 1-based): chr11:65,537,102, G>A. VCF-style: chr11-65537102-G-A. GRCh37 (hg19) VCF-style: chr11-65304573-G-A.
Other names: p.Asp645Asn; c.1882G>A, p.Asp628Asn (NM_001048218.2); short protein forms D628N, D645N.
Identifiers: ClinVar variation 781963 (VCV000781963.34), dbSNP rs200518123, ClinGen allele CA6099976.
Genomic context (GRCh38, chr11:65,537,102, plus strand): 5'-TGGGAGACGCAGGAGGAGGACAAGGACACAGCAGAGGACAGCAGCACTGCTGACAGATGG[G>A]ACGACGAAGACTGGGGCAGCCTGGAGGTGTGTGGGGCTGAGGGAGCCTCCCCAGGGGACC-3'
Protein context (NP_065731.3, residues 635-655): AEDSSTADRW[Asp645Asn]DEDWGSLEQE

ClinVar aggregate classification (germline): Benign/Likely benign. Review status: criteria provided, multiple submitters, no conflicts (2 of 4 stars). 6 submissions from 6 submitters: Benign (3); Likely benign (2). 1 of the submissions does not count toward it. Last evaluated 2026-09-01.

Conditions:
SCYL1-related disorder. Also called: SCYL1-related condition.
Inborn genetic diseases. Identifiers: MedGen C0950123, MeSH D030342.

Allele frequency attached by ClinVar (database versions not stated): gnomAD exomes 0.00126 and 0.00262; gnomAD 0.00151 and 0.00163; TOPMed 0.00166; ESP Exome Variant Server 0.00188; ExAC 0.00195.
gnomAD v4.1: 2,256 of 1,614,078 alleles (0.14%); highest among the groups gnomAD compares: Non-Finnish European, 0.028%; 40 homozygotes.

Submissions (6):

CeGaT Center for Human Genetics Tuebingen
Classification: Benign. Last evaluated: 2026-09-01. Review status: criteria provided, single submitter. Criteria: CeGaT Center For Human Genetics Tuebingen Variant Classification Criteria Version 2. Collection method: clinical testing. Allele origin: germline. Affected: yes. Observed: 3 variant alleles.
Comment: SCYL1: BS1, BS2

Labcorp Genetics (formerly Invitae), Labcorp
Classification: Likely benign. Last evaluated: 2026-01-08. Review status: criteria provided, single submitter. Criteria: Invitae Variant Classification Sherloc (09022015). Collection method: clinical testing. Allele origin: germline.

Mayo Clinic Laboratories, Mayo Clinic
Classification: Benign. Last evaluated: 2022-03-23. Review status: criteria provided, single submitter. Criteria: ACMG Guidelines, 2015. Collection method: clinical testing. Allele origin: germline. Observed: 1 variant allele.

Ambry Genetics
Classification: Benign for Inborn genetic diseases. Last evaluated: 2021-09-28. Review status: criteria provided, single submitter. Criteria: Ambry Variant Classification Scheme 2023. Collection method: clinical testing. Allele origin: germline.

Breakthrough Genomics
Classification: Likely benign. Review status: criteria provided, single submitter. Criteria: ACMG Guidelines, 2015. Collection method: not provided. Allele origin: germline. Inheritance: Autosomal recessive inheritance. Affected: yes.

PreventionGenetics, part of Exact Sciences
Classification: Benign for SCYL1-related condition. Last evaluated: 2020-03-06. Review status: no assertion criteria provided. Collection method: clinical testing. Allele origin: germline. Not counted in ClinVar's aggregate classification.
Comment: This variant is classified as benign based on ACMG/AMP sequence variant interpretation guidelines (Richards et al. 2015 PMID: 25741868, with internal and published modifications).